The following is an entry in ClinVar:

NM_015909.4(NBAS):c.746+1G>A

Gene: NBAS (NBAS subunit of NRZ tethering complex; minus strand). Cytogenetic location: 2p24.3.
Variant type: single nucleotide variant.
Coding change: c.746+1G>A on transcript NM_015909.4 (MANE Select); the canonical splice donor site of the intron after coding-DNA position 746, G replaced by A.
Molecular consequence: splice donor variant.
Genome position (GRCh38, 1-based): chr2:15,534,542, C>T on the plus strand (G>A on the coding strand, the complement: NBAS is on the minus strand). VCF-style: chr2-15534542-C-T. GRCh37 (hg19) VCF-style: chr2-15674666-C-T.
Identifiers: ClinVar variation 4710692 (VCV004710692.1).

ClinVar aggregate classification (germline): Likely pathogenic (1 of 4 stars; one submission).

gnomAD v4.1: 1 of 1,591,028 alleles (0.000063%); highest among the groups gnomAD compares: South Asian, 0.0011%; no homozygotes.

Submission:

Labcorp Genetics (formerly Invitae), Labcorp
Classification: Likely pathogenic. Last evaluated: 2025-08-22. Review status: criteria provided, single submitter. Criteria: Invitae Variant Classification Sherloc (09022015). Collection method: clinical testing. Allele origin: germline.
Comment: This sequence change affects a donor splice site in intron 9 of the NBAS gene. It is expected to disrupt RNA splicing. Variants that disrupt the donor or acceptor splice site typically lead to a loss of protein function (PMID: 16199547), and loss-of-function variants in NBAS are known to be pathogenic (PMID: 26073778, 26541327, 27789416, 28031453). This variant is present in population databases (rs759510080, gnomAD 0.003%). This variant has not been reported in the literature in individuals affected with NBAS-related conditions. Algorithms developed to predict the effect of sequence changes on RNA splicing suggest that this variant may disrupt the consensus splice site. In summary, the currently available evidence indicates that the variant is pathogenic, but additional data are needed to prove that conclusively. Therefore, this variant has been classified as Likely Pathogenic.

Literature cited by the submitters: PubMed 16199547; PubMed 26073778; PubMed 26541327; PubMed 27789416; PubMed 28031453.